The following is an entry in ClinVar:

NM_021098.3(CACNA1H):c.194A>G (p.Asp65Gly)

Gene: CACNA1H (calcium voltage-gated channel subunit alpha1 H; plus strand). Cytogenetic location: 16p13.3.
Variant type: single nucleotide variant.
Coding change: c.194A>G on transcript NM_021098.3 (MANE Select); coding-DNA position 194, A replaced by G.
Protein change: p.Asp65Gly; replaces aspartic acid 65 with glycine.
Molecular consequence: missense variant.
Genome position (GRCh38, 1-based): chr16:1,153,931, A>G. VCF-style: chr16-1153931-A-G. GRCh37 (hg19) VCF-style: chr16-1203931-A-G.
Other names: c.194A>G, p.Asp65Gly (NM_001005407.2); c.194A>G (NM_021098.2); short protein forms D65G.
Identifiers: ClinVar variation 2952951 (VCV002952951.4), dbSNP rs2548479725, ClinGen allele CA394145816.

ClinVar aggregate classification (germline): Uncertain significance. Review status: criteria provided, single submitter (1 of 4 stars). 2 submissions from 2 submitters: Uncertain significance (1). 1 of the submissions does not count toward it. Last evaluated 2024-04-26.

Conditions:
CACNA1H-related disorder.
Idiopathic generalized epilepsy. Also called: EIG; Generalised epilepsy. Identifiers: MedGen C0270850, MONDO:0005579, OMIM 600669.
Hyperaldosteronism, familial, type IV (HALD4). Also called: FH IV; ALDOSTERONISM, PRIMARY, AND HYPERTENSION. Identifiers: Orphanet 642671, MedGen C4310756, MONDO:0014875, OMIM 617027.

Submissions (2):

Labcorp Genetics (formerly Invitae), Labcorp
Classification: Uncertain significance for Idiopathic generalized epilepsy; Hyperaldosteronism, familial, type IV. Last evaluated: 2024-04-26. Review status: criteria provided, single submitter. Criteria: Invitae Variant Classification Sherloc (09022015). Collection method: clinical testing. Allele origin: germline.
Comment: This sequence change replaces aspartic acid, which is acidic and polar, with glycine, which is neutral and non-polar, at codon 65 of the CACNA1H protein (p.Asp65Gly). This variant is not present in population databases (gnomAD no frequency). This variant has not been reported in the literature in individuals affected with CACNA1H-related conditions. Advanced modeling of protein sequence and biophysical properties (such as structural, functional, and spatial information, amino acid conservation, physicochemical variation, residue mobility, and thermodynamic stability) performed at Invitae indicates that this missense variant is not expected to disrupt CACNA1H protein function with a negative predictive value of 80%. In summary, the available evidence is currently insufficient to determine the role of this variant in disease. Therefore, it has been classified as a Variant of Uncertain Significance.

PreventionGenetics, part of Exact Sciences
Classification: Uncertain significance for CACNA1H-related condition. Last evaluated: 2024-03-25. Review status: no assertion criteria provided. Collection method: clinical testing. Allele origin: germline. Not counted in ClinVar's aggregate classification.
Comment: The CACNA1H c.194A>G variant is predicted to result in the amino acid substitution p.Asp65Gly. To our knowledge, this variant has not been reported in the literature or in a large population database, indicating this variant is rare. At this time, the clinical significance of this variant is uncertain due to the absence of conclusive functional and genetic evidence.